The following is an entry in ClinVar:

ClinVar aggregate classification (germline): Uncertain significance (1 of 4 stars; one submission).

Conditions:
Hyperkalemic periodic paralysis. Also called: Familial hyperkalemic periodic paralysis; Gamstorp disease. Identifiers: Orphanet 682, MedGen C0238357, MONDO:0008224, OMIM 170500, HP:0007215.

Submission:

Labcorp Genetics (formerly Invitae), Labcorp
Classification: Uncertain significance for Hyperkalemic periodic paralysis. Last evaluated: 2022-07-06. Review status: criteria provided, single submitter. Criteria: Invitae Variant Classification Sherloc (09022015). Collection method: clinical testing. Allele origin: germline.
Comment: ClinVar contains an entry for this variant (Variation ID: 1386906). This variant has not been reported in the literature in individuals affected with SCN4A-related conditions. This variant is not present in population databases (gnomAD no frequency). This sequence change replaces aspartic acid, which is acidic and polar, with glycine, which is neutral and non-polar, at codon 365 of the SCN4A protein (p.Asp365Gly). Algorithms developed to predict the effect of missense changes on protein structure and function (SIFT, PolyPhen-2, Align-GVGD) all suggest that this variant is likely to be disruptive. In summary, the available evidence is currently insufficient to determine the role of this variant in disease. Therefore, it has been classified as a Variant of Uncertain Significance.

NM_000334.4(SCN4A):c.1094A>G (p.Asp365Gly)

Gene: SCN4A (sodium voltage-gated channel alpha subunit 4; minus strand). Cytogenetic location: 17q23.3.
Variant type: single nucleotide variant.
Coding change: c.1094A>G on transcript NM_000334.4 (MANE Select); coding-DNA position 1094, A replaced by G.
Protein change: p.Asp365Gly; replaces aspartic acid 365 with glycine.
Molecular consequence: missense variant.
Genome position (GRCh38, 1-based): chr17:63,966,487, T>C on the plus strand (A>G on the coding strand, the complement: SCN4A is on the minus strand). VCF-style: chr17-63966487-T-C. GRCh37 (hg19) VCF-style: chr17-62043847-T-C.
Other names: short protein forms D365G.
Identifiers: ClinVar variation 1386906 (VCV001386906.6), dbSNP rs2144807923, ClinGen allele CA400636687.
Genomic context (GRCh38, chr17:63,966,487, plus strand): 5'-CCCACCTTCCAAGACCCCTGGGGTGCCTTTTCTGCATCCCTTAGCATCACTCACCCAGCA[T>C]CACTGCTGTTCCCACAGAGCAGGGCATCGTTGGAGCCCTCCAGGAAGTAGAAGTTCCCTT-3'
Protein context (NP_000325.4, residues 355-375): NDALLCGNSS[Asp365Gly]AGHCPEGYEC